The following is an entry in ClinVar:

NM_000081.4(LYST):c.6229G>A (p.Gly2077Ser)

Gene: LYST (lysosomal trafficking regulator; minus strand). Cytogenetic location: 1q42.3.
Variant type: single nucleotide variant.
Coding change: c.6229G>A on transcript NM_000081.4 (MANE Select); coding-DNA position 6229, G replaced by A.
Protein change: p.Gly2077Ser; replaces glycine 2077 with serine.
Molecular consequence: missense variant.
Genome position (GRCh38, 1-based): chr1:235,762,744, C>T on the plus strand (G>A on the coding strand, the complement: LYST is on the minus strand). VCF-style: chr1-235762744-C-T. GRCh37 (hg19) VCF-style: chr1-235926044-C-T.
Other names: c.6229G>A, p.Gly2077Ser (NM_001301365.1); short protein forms G2077S.
Identifiers: ClinVar variation 2193420 (VCV002193420.4), dbSNP rs2527844035, ClinGen allele CA344944819.
Genomic context (GRCh38, chr1:235,762,744, plus strand): 5'-ATGAGAAGGTCATACTTCCATTATTGCTATTTTTACCTTCATATGGTGAAGCAGTAAAAC[C>T]AGATGGGCTTATTACCATAAATCCAGGGCTCATAAGGGACCTTCCTCCACTGCTGGAATG-3'
Protein context (NP_000072.2, residues 2067-2087): SPGFMVISPS[Gly2077Ser]FTASPYEGEN

ClinVar aggregate classification (germline): Uncertain significance (1 of 4 stars; one submission).

Conditions:
Chédiak-Higashi syndrome (CHS). Also called: Chediak-Higashi Syndrome. Identifiers: Orphanet 167, MedGen C0007965, MONDO:0008963, OMIM 214500.

Submission:

Labcorp Genetics (formerly Invitae), Labcorp
Classification: Uncertain significance for Chédiak-Higashi syndrome. Last evaluated: 2022-09-27. Review status: criteria provided, single submitter. Criteria: Invitae Variant Classification Sherloc (09022015). Collection method: clinical testing. Allele origin: germline.
Comment: This sequence change replaces glycine, which is neutral and non-polar, with serine, which is neutral and polar, at codon 2077 of the LYST protein (p.Gly2077Ser). This variant is not present in population databases (gnomAD no frequency). This variant has not been reported in the literature in individuals affected with LYST-related conditions. Advanced modeling of protein sequence and biophysical properties (such as structural, functional, and spatial information, amino acid conservation, physicochemical variation, residue mobility, and thermodynamic stability) performed at Invitae indicates that this missense variant is not expected to disrupt LYST protein function. Algorithms developed to predict the effect of sequence changes on RNA splicing suggest that this variant may disrupt the consensus splice site. In summary, the available evidence is currently insufficient to determine the role of this variant in disease. Therefore, it has been classified as a Variant of Uncertain Significance.